The following is an entry in ClinVar:

NM_004638.4(PRRC2A):c.5888C>G (p.Pro1963Arg)

Gene: PRRC2A (proline rich coiled-coil 2A; plus strand). Cytogenetic location: 6p21.33.
Variant type: single nucleotide variant.
Coding change: c.5888C>G on transcript NM_004638.4 (MANE Select); coding-DNA position 5888, C replaced by G.
Protein change: p.Pro1963Arg; replaces proline 1963 with arginine.
Molecular consequence: missense variant.
Genome position (GRCh38, 1-based): chr6:31,636,562, C>G. VCF-style: chr6-31636562-C-G. GRCh37 (hg19) VCF-style: chr6-31604339-C-G.
Other names: c.5888C>G, p.Pro1963Arg (NM_080686.3); c.5888C>G (NM_004638.3); short protein forms P1963R.
Identifiers: ClinVar variation 3034332 (VCV003034332.3), dbSNP rs139221400, ClinGen allele CA3716677.

ClinVar aggregate classification (germline): Uncertain significance. Review status: criteria provided, single submitter (1 of 4 stars). 2 submissions from 2 submitters: Uncertain significance (1). 1 of the submissions does not count toward it. Last evaluated 2025-08-15.

Conditions:
PRRC2A-related disorder. Also called: PRRC2A-related condition.

Allele frequency attached by ClinVar (database versions not stated): ESP Exome Variant Server 0.00012; gnomAD exomes 0.00026; gnomAD 0.00029; TOPMed 0.00088; ExAC 0.00118.
gnomAD v4.1: 420 of 1,608,508 alleles (0.026%); highest among the groups gnomAD compares: Admixed American, 0.69%; 1 homozygote.

Submissions (2):

Ambry Genetics
Classification: Uncertain significance. Last evaluated: 2025-08-15. Review status: criteria provided, single submitter. Criteria: Ambry Variant Classification Scheme 2023. Collection method: clinical testing. Allele origin: germline.

PreventionGenetics, part of Exact Sciences
Classification: Benign for PRRC2A-related condition. Last evaluated: 2019-06-14. Review status: no assertion criteria provided. Collection method: clinical testing. Allele origin: germline. Not counted in ClinVar's aggregate classification.
Comment: This variant is classified as benign based on ACMG/AMP sequence variant interpretation guidelines (Richards et al. 2015 PMID: 25741868, with internal and published modifications).